The following is an entry in ClinVar:

ClinVar aggregate classification (germline): Uncertain significance (1 of 4 stars; one submission).

Conditions:
Arrhythmogenic right ventricular dysplasia 5. Also called: Arrhythmogenic Right Ventricular Dysplasia/Cardiomyopathy 5; ARRHYTHMOGENIC RIGHT VENTRICULAR DYSPLASIA, FAMILIAL, 5. Identifiers: MedGen C1858379, MONDO:0011459, OMIM 604400.

Submission:

All of Us Research Program, National Institutes of Health
Classification: Uncertain significance for Arrhythmogenic right ventricular dysplasia 5. Last evaluated: 2023-03-09. Review status: criteria provided, single submitter. Criteria: ACMG Guidelines, 2015. Collection method: clinical testing. Allele origin: germline. Inheritance: Autosomal dominant inheritance. Observed: 1 variant allele, 1 heterozygote.
Comment: This missense variant replaces alanine with glycine at codon 3 of the TMEM43 protein. Computational prediction suggests that this variant may not impact protein structure and function (internally defined REVEL score threshold <= 0.5, PMID: 27666373). To our knowledge, functional studies have not been reported for this variant. This variant has not been reported in individuals affected with TMEM43-related disorders in the literature. This variant has not been identified in the general population by the Genome Aggregation Database (gnomAD). The available evidence is insufficient to determine the role of this variant in disease conclusively. Therefore, this variant is classified as a Variant of Uncertain Significance.

This study involves interpretation of variants in research participants for the purpose of population health screening. Participant phenotype was not available at the time of variant classification. Additional details can be found in publication PMID: 35346344, PMCID: PMC8962531

NM_024334.3(TMEM43):c.8C>G (p.Ala3Gly)

Gene: TMEM43 (transmembrane protein 43; plus strand). Cytogenetic location: 3p25.1.
Variant type: single nucleotide variant.
Coding change: c.8C>G on transcript NM_024334.3 (MANE Select); coding-DNA position 8, C replaced by G.
Protein change: p.Ala3Gly; replaces alanine 3 with glycine.
Molecular consequence: missense variant.
Genome position (GRCh38, 1-based): chr3:14,125,201, C>G. VCF-style: chr3-14125201-C-G. GRCh37 (hg19) VCF-style: chr3-14166701-C-G.
Other names: c.8C>G, p.Ala3Gly (NM_001407274.1, NM_001407275.1, NM_001407276.1 and 4 more transcripts); short protein forms A3G.
Identifiers: ClinVar variation 3069847 (VCV003069847.1), dbSNP rs587780964, ClinGen allele CA351533972.